The following is an entry in ClinVar:

NM_004933.3(CDH15):c.1796dup (p.Thr600fs)

Genes: CDH15 (cadherin 15; plus strand), LOC130059794 (ATAC-STARR-seq lymphoblastoid silent region 7894; plus strand). Cytogenetic location: 16q24.3.
Variant type: Duplication.
Coding change: c.1796dup on transcript NM_004933.3 (MANE Select); coding-DNA position 1796, one base duplicated (G; older notation c.1796dupG).
Protein change: p.Thr600fs; shifts the reading frame from threonine 600.
Molecular consequence: frameshift variant.
Genome position (GRCh38, 1-based): chr16:89,192,385, G duplicated; the last of 6 consecutive G bases (chr16:89,192,380-89,192,385); duplicating any one gives the same sequence. VCF-style (leftmost placement, unchanged base first): chr16-89192379-C-CG. GRCh37 (hg19) VCF-style: chr16-89258787-C-CG.
Other names: short protein forms T600fs.
Identifiers: ClinVar variation 2628873 (VCV002628873.1), dbSNP rs749838702, ClinGen allele CA8239403.

ClinVar aggregate classification (germline): Uncertain significance (1 of 4 stars; one submission).

Conditions:
CDH15-related disorder. Also called: CDH15-related condition.

Submission:

PreventionGenetics, part of Exact Sciences
Classification: Uncertain significance for CDH15-related condition. Last evaluated: 2022-10-24. Review status: criteria provided, single submitter. Criteria: ACMG Guidelines, 2015. Collection method: clinical testing. Allele origin: germline.
Comment: The CDH15 c.1796dupG variant is predicted to result in a frameshift and premature protein termination (p.Thr600Hisfs*57). To our knowledge, this variant has not been reported in the literature. This variant is reported in 0.0081% of alleles in individuals of Latino descent in gnomAD. To date, premature termination variants in CDH15 have not been established as a cause of disease. At this time, the clinical significance of this variant is uncertain due to the absence of conclusive functional and genetic evidence.